The following is an entry in ClinVar:

NM_001378454.1(ALMS1):c.11695A>G (p.Lys3899Glu)

Gene: ALMS1 (ALMS1 centrosome and basal body associated protein; plus strand). Cytogenetic location: 2p13.1.
Variant type: single nucleotide variant.
Coding change: c.11695A>G on transcript NM_001378454.1 (MANE Select); coding-DNA position 11695, A replaced by G.
Protein change: p.Lys3899Glu; replaces lysine 3899 with glutamic acid.
Molecular consequence: missense variant.
Genome position (GRCh38, 1-based): chr2:73,600,704, A>G. VCF-style: chr2-73600704-A-G. GRCh37 (hg19) VCF-style: chr2-73827831-A-G.
Other names: c.11698A>G, p.Lys3900Glu (NM_015120.4); short protein forms K3899E, K3900E.
Identifiers: ClinVar variation 1738908 (VCV001738908.8), dbSNP rs966425951, ClinGen allele CA50336788.

ClinVar aggregate classification (germline): Uncertain significance. Review status: criteria provided, multiple submitters, no conflicts (2 of 4 stars). 3 submissions from 3 submitters: Uncertain significance (3). Last evaluated 2024-11-07.

Conditions:
Cardiovascular phenotype. Identifiers: MedGen CN230736.
Alstrom syndrome (ALMS). Identifiers: Orphanet 64, MedGen C0268425, MONDO:0008763, OMIM 203800.

Allele frequency attached by ClinVar (database versions not stated): gnomAD 0.00002; TOPMed 0.00002.

Submissions (3):

GeneDx
Classification: Uncertain significance. Last evaluated: 2024-11-07. Review status: criteria provided, single submitter. Criteria: GeneDx Variant Classification Process June 2021. Collection method: clinical testing. Allele origin: germline. Affected: yes.
Comment: Not observed at significant frequency in large population cohorts (gnomAD); In silico analysis supports that this missense variant has a deleterious effect on protein structure/function; Has not been previously published as pathogenic or benign to our knowledge

Labcorp Genetics (formerly Invitae), Labcorp
Classification: Uncertain significance for Alstrom syndrome. Last evaluated: 2024-07-13. Review status: criteria provided, single submitter. Criteria: Invitae Variant Classification Sherloc (09022015). Collection method: clinical testing. Allele origin: germline.
Comment: This sequence change replaces lysine, which is basic and polar, with glutamic acid, which is acidic and polar, at codon 3900 of the ALMS1 protein (p.Lys3900Glu). This variant is present in population databases (no rsID available, gnomAD 0.01%). This variant has not been reported in the literature in individuals affected with ALMS1-related conditions. ClinVar contains an entry for this variant (Variation ID: 1738908). Experimental studies and prediction algorithms are not available or were not evaluated, and the functional significance of this variant is currently unknown. In summary, the available evidence is currently insufficient to determine the role of this variant in disease. Therefore, it has been classified as a Variant of Uncertain Significance.

Ambry Genetics
Classification: Uncertain significance for Cardiovascular phenotype. Last evaluated: 2023-03-27. Review status: criteria provided, single submitter. Criteria: Ambry Variant Classification Scheme 2023. Collection method: clinical testing. Allele origin: germline.
Comment: The p.K3900E variant (also known as c.11698A>G), located in coding exon 18 of the ALMS1 gene, results from an A to G substitution at nucleotide position 11698. The lysine at codon 3900 is replaced by glutamic acid, an amino acid with similar properties. This amino acid position is poorly conserved in available vertebrate species. In addition, the in silico prediction for this alteration is inconclusive. Since supporting evidence is limited at this time, the clinical significance of this alteration remains unclear.